The following is an entry in ClinVar:

NM_000391.4(TPP1):c.1076-17C>T

Gene: TPP1 (tripeptidyl peptidase 1; minus strand). Cytogenetic location: 11p15.4.
Variant type: single nucleotide variant.
Coding change: c.1076-17C>T on transcript NM_000391.4 (MANE Select); 17 bases into the intron before coding-DNA position 1076, C replaced by T.
Molecular consequence: intron variant.
Genome position (GRCh38, 1-based): chr11:6,616,091, G>A on the plus strand (C>T on the coding strand, the complement: TPP1 is on the minus strand). VCF-style: chr11-6616091-G-A. GRCh37 (hg19) VCF-style: chr11-6637322-G-A.
Identifiers: ClinVar variation 681841 (VCV000681841.10), dbSNP rs1258440716, ClinGen allele CA597274067.

ClinVar aggregate classification (germline): Likely benign. Review status: criteria provided, multiple submitters, no conflicts (2 of 4 stars). 3 submissions from 3 submitters: Likely benign (3). Last evaluated 2025-04-28.

Allele frequency attached by ClinVar (database versions not stated): gnomAD 0.00001; TOPMed 0.00004; gnomAD exomes below 0.00001.
gnomAD v4.1: 3 of 1,613,972 alleles (0.00019%); highest among the groups gnomAD compares: African/African-American, 0.004%; no homozygotes.

Submissions (3):

Labcorp Genetics (formerly Invitae), Labcorp
Classification: Likely benign. Last evaluated: 2025-04-28. Review status: criteria provided, single submitter. Criteria: Invitae Variant Classification Sherloc (09022015). Collection method: clinical testing. Allele origin: germline.

Women's Health and Genetics/Laboratory Corporation of America, LabCorp
Classification: Likely benign. Last evaluated: 2024-12-12. Review status: criteria provided, single submitter. Criteria: LabCorp Variant Classification Summary - May 2015. Collection method: clinical testing. Allele origin: germline.

GeneDx
Classification: Likely benign. Last evaluated: 2018-04-13. Review status: criteria provided, single submitter. Criteria: GeneDx Variant Classification (06012015). Collection method: clinical testing. Allele origin: germline. Affected: yes.
Comment: This variant is considered likely benign or benign based on one or more of the following criteria: it is a conservative change, it occurs at a poorly conserved position in the protein, it is predicted to be benign by multiple in silico algorithms, and/or has population frequency not consistent with disease.